The following is an entry in ClinVar:

NM_000077.5(CDKN2A):c.458-3C>A

Gene: CDKN2A (cyclin dependent kinase inhibitor 2A; minus strand). Cytogenetic location: 9p21.3.
Variant type: single nucleotide variant.
Coding change: c.458-3C>A on transcript NM_000077.5 (MANE Select); 3 bases into the intron before coding-DNA position 458, C replaced by A.
Molecular consequence: intron variant.
Genome position (GRCh38, 1-based): chr9:21,968,245, G>T on the plus strand (C>A on the coding strand, the complement: CDKN2A is on the minus strand). VCF-style: chr9-21968245-G-T. GRCh37 (hg19) VCF-style: chr9-21968244-G-T.
Other names: c.458-3C>A (NM_000077.4); c.305-3C>A (NM_001363763.2); c.*102-3C>A (NM_058195.4); c.*151-3C>A (NM_001195132.2); c.*381-3C>A (NM_058197.5).
Identifiers: ClinVar variation 2039689 (VCV002039689.5), dbSNP rs2131079554, ClinGen allele CA645552415.

ClinVar aggregate classification (germline): Uncertain significance. Review status: criteria provided, multiple submitters, no conflicts (2 of 4 stars). 2 submissions from 2 submitters: Uncertain significance (2). Last evaluated 2024-06-10.

Conditions:
Familial melanoma. Also called: Hereditary cutaneous melanoma; Hereditary melanoma. Identifiers: Orphanet 618, MedGen C1512419, MONDO:0018961.
Hereditary cancer-predisposing syndrome. Also called: Tumor predisposition; Hereditary Cancer Syndrome; Hereditary neoplastic syndrome; Neoplastic Syndromes, Hereditary. Identifiers: Orphanet 140162, MedGen C0027672, MeSH D009386, MONDO:0015356.

Submissions (2):

Labcorp Genetics (formerly Invitae), Labcorp
Classification: Uncertain significance for Familial melanoma. Last evaluated: 2024-06-10. Review status: criteria provided, single submitter. Criteria: Invitae Variant Classification Sherloc (09022015). Collection method: clinical testing. Allele origin: germline.
Comment: This sequence change falls in intron 2 of the CDKN2A (p16INK4a) gene. It does not directly change the encoded amino acid sequence of the CDKN2A (p16INK4a) protein. It affects a nucleotide within the consensus splice site. This variant is not present in population databases (gnomAD no frequency). This variant has not been reported in the literature in individuals affected with CDKN2A (p16INK4a)-related conditions. ClinVar contains an entry for this variant (Variation ID: 2039689). Variants that disrupt the consensus splice site are a relatively common cause of aberrant splicing (PMID: 17576681, 9536098). Algorithms developed to predict the effect of sequence changes on RNA splicing suggest that this variant may disrupt the consensus splice site. In summary, the available evidence is currently insufficient to determine the role of this variant in disease. Therefore, it has been classified as a Variant of Uncertain Significance.

Ambry Genetics
Classification: Uncertain significance for Hereditary cancer-predisposing syndrome. Last evaluated: 2023-12-14. Review status: criteria provided, single submitter. Criteria: Ambry Variant Classification Scheme 2023. Collection method: clinical testing. Allele origin: germline.
Comment: The c.458-3C>A intronic variant results from a C to A substitution 3 nucleotides upstream from coding exon 3 in the CDKN2A gene. This alteration has been observed in at least one individual with a personal and/or family history that is consistent with CDKN2A-related disease (Ambry internal data). This nucleotide position is highly conserved in available vertebrate species. In silico splice site analysis predicts that this alteration will weaken the native splice acceptor site; however, direct evidence is insufficient at this time (Ambry internal data). Since supporting evidence is limited at this time, the clinical significance of this alteration remains unclear.

Literature cited by the submitters: PubMed 17576681 (cited by Labcorp Genetics (formerly Invitae), Labcorp); PubMed 9536098 (cited by Labcorp Genetics (formerly Invitae), Labcorp).